The following is an entry in ClinVar:

ClinVar aggregate classification (germline): Uncertain significance. Review status: criteria provided, multiple submitters, no conflicts (2 of 4 stars). 2 submissions from 2 submitters: Uncertain significance (2). Last evaluated 2025-06-13.

Conditions:
PLXNA1-related disorder. Also called: PLXNA1-related condition.

Allele frequency attached by ClinVar (database versions not stated): gnomAD 0.00001; gnomAD exomes 0.00001; TOPMed 0.00001; ExAC 0.00003.
gnomAD v4.1: 24 of 1,612,904 alleles (0.0015%); highest among the groups gnomAD compares: South Asian, 0.0022%; no homozygotes.

Submissions (2):

PreventionGenetics, part of Exact Sciences
Classification: Uncertain significance for PLXNA1-related condition. Last evaluated: 2025-06-13. Review status: criteria provided, single submitter. Criteria: ACMG Guidelines, 2015. Collection method: clinical testing. Allele origin: germline.
Comment: The PLXNA1 c.3544G>A variant is predicted to result in the amino acid substitution p.Gly1182Ser. To our knowledge, this variant has not been reported in the literature. This variant is reported in 0.0057% of alleles in individuals of Latino descent in gnomAD. At this time, the clinical significance of this variant is uncertain due to the absence of conclusive functional and genetic evidence.

Labcorp Genetics (formerly Invitae), Labcorp
Classification: Uncertain significance. Last evaluated: 2023-04-14. Review status: criteria provided, single submitter. Criteria: Invitae Variant Classification Sherloc (09022015). Collection method: clinical testing. Allele origin: germline.
Comment: This sequence change replaces glycine, which is neutral and non-polar, with serine, which is neutral and polar, at codon 1182 of the PLXNA1 protein (p.Gly1182Ser). This variant is present in population databases (rs756796294, gnomAD 0.01%). This variant has not been reported in the literature in individuals affected with PLXNA1-related conditions. ClinVar contains an entry for this variant (Variation ID: 1898662). An algorithm developed to predict the effect of missense changes on protein structure and function (PolyPhen-2) suggests that this variant is likely to be disruptive. In summary, the available evidence is currently insufficient to determine the role of this variant in disease. Therefore, it has been classified as a Variant of Uncertain Significance.

NM_032242.4(PLXNA1):c.3544G>A (p.Gly1182Ser)

Gene: PLXNA1 (plexin A1; plus strand). Cytogenetic location: 3q21.3.
Variant type: single nucleotide variant.
Coding change: c.3544G>A on transcript NM_032242.4 (MANE Select); coding-DNA position 3544, G replaced by A.
Protein change: p.Gly1182Ser; replaces glycine 1182 with serine.
Molecular consequence: missense variant.
Genome position (GRCh38, 1-based): chr3:127,017,776, G>A. VCF-style: chr3-127017776-G-A. GRCh37 (hg19) VCF-style: chr3-126736619-G-A.
Other names: c.3544G>A (NM_032242.3); short protein forms G1182S.
Identifiers: ClinVar variation 1898662 (VCV001898662.6), dbSNP rs756796294, ClinGen allele CA2594067.
Genomic context (GRCh38, chr3:127,017,776, plus strand): 5'-TCCTGGGCTCTGGCTCACCCCCATCTCCTACAGGGCCGGAACCTCTTGCCACCTGCACCC[G>A]GCAACTCCCGACTCAACTACACGGTGCTCATCGGCTCCACACCCTGTACCCTCACCGTGT-3'
Protein context (NP_115618.3, residues 1172-1192): KGRNLLPPAP[Gly1182Ser]NSRLNYTVLI